The following is an entry in ClinVar:

NM_001001557.4(GDF6):c.920C>T (p.Ala307Val)

Gene: GDF6 (growth differentiation factor 6; minus strand). Cytogenetic location: 8q22.1.
Variant type: single nucleotide variant.
Coding change: c.920C>T on transcript NM_001001557.4 (MANE Select); coding-DNA position 920, C replaced by T.
Protein change: p.Ala307Val; replaces alanine 307 with valine.
Molecular consequence: missense variant.
Genome position (GRCh38, 1-based): chr8:96,145,011, G>A on the plus strand (C>T on the coding strand, the complement: GDF6 is on the minus strand). VCF-style: chr8-96145011-G-A. GRCh37 (hg19) VCF-style: chr8-97157239-G-A.
Other names: short protein forms A307V.
Identifiers: ClinVar variation 2115749 (VCV002115749.4), dbSNP rs1812447942, ClinGen allele CA371751522.

ClinVar aggregate classification (germline): Uncertain significance (1 of 4 stars; one submission).

Conditions:
Isolated microphthalmia 4. Identifiers: Orphanet 2542, MedGen C2751307, MONDO:0013130, OMIM 613094.
Leber congenital amaurosis 17 (LCA17). Identifiers: Orphanet 65, MedGen C3715164, MONDO:0014145, OMIM 615360.
Klippel-Feil syndrome 1, autosomal dominant (KFS1). Also called: CERVICAL VERTEBRAL FUSION, AUTOSOMAL DOMINANT. Identifiers: Orphanet 2345, MedGen C1861689, MONDO:0007306, OMIM 118100.
Microphthalmia, isolated, with coloboma 6 (MCOPCB6). Also called: Microphthalmia with coloboma 6, digenic; Microphthalmia with coloboma 6; MICROPHTHALMIA/COLOBOMA 6. Identifiers: Orphanet 98938, MedGen C3150968, MONDO:0013376, OMIM 613703.

Allele frequency attached by ClinVar (database versions not stated): TOPMed below 0.00001; gnomAD 0.00001.

Submission:

Labcorp Genetics (formerly Invitae), Labcorp
Classification: Uncertain significance for Isolated microphthalmia 4; Leber congenital amaurosis 17; Klippel-Feil syndrome 1, autosomal dominant; Microphthalmia, isolated, with coloboma 6. Last evaluated: 2022-04-05. Review status: criteria provided, single submitter. Criteria: Invitae Variant Classification Sherloc (09022015). Collection method: clinical testing. Allele origin: germline.
Comment: This variant is not present in population databases (gnomAD no frequency). In summary, the available evidence is currently insufficient to determine the role of this variant in disease. Therefore, it has been classified as a Variant of Uncertain Significance. Algorithms developed to predict the effect of missense changes on protein structure and function output the following: SIFT: "Tolerated"; PolyPhen-2: "Benign"; Align-GVGD: "Class C0". The valine amino acid residue is found in multiple mammalian species, which suggests that this missense change does not adversely affect protein function. This variant has not been reported in the literature in individuals affected with GDF6-related conditions. This sequence change replaces alanine, which is neutral and non-polar, with valine, which is neutral and non-polar, at codon 307 of the GDF6 protein (p.Ala307Val).